The following is an entry in ClinVar:

NM_015599.3(PGM3):c.450A>G (p.Gln150=)

Gene: PGM3 (phosphoglucomutase 3; minus strand). Cytogenetic location: 6q14.1.
Variant type: single nucleotide variant.
Coding change: c.450A>G on transcript NM_015599.3 (MANE Select); coding-DNA position 450, A replaced by G.
Protein change: p.Gln150=; no amino-acid change (glutamine 150 retained).
Molecular consequence: synonymous variant. On other transcripts: non-coding transcript variant (1).
Genome position (GRCh38, 1-based): chr6:83,187,015, T>C on the plus strand (A>G on the coding strand, the complement: PGM3 is on the minus strand). VCF-style: chr6-83187015-T-C. GRCh37 (hg19) VCF-style: chr6-83896734-T-C.
Other names: c.534A>G, p.Gln178= (NM_001199917.2, NM_001367287.1); c.207A>G, p.Gln69= (NM_001199918.2); c.450A>G, p.Gln150= (NM_001199919.2, NM_001367286.1).
Identifiers: ClinVar variation 665610 (VCV000665610.7), dbSNP rs755097152, ClinGen allele CA3906797.
Genomic context (GRCh38, chr6:83,187,015, plus strand): 5'-AATTAAAGTTTTTTAAATATTAGTTTAATTTCCAACTCAGGATAACTACATACCATGGAA[T>C]TGACCTCCTAGAACAGTCACACCATCTATTACAGATTGTGAAAGTTTCTCACTGCTGGGC-3'
Protein context (NP_056414.1, residues 140-160): VIDGVTVLGG[Gln150=]FHDYGLLTTP

ClinVar aggregate classification (germline): Uncertain significance (1 of 4 stars; one submission).

Conditions:
Immunodeficiency 23 (IMD23). Also called: IMMUNODEFICIENCY WITH HYPER IgE AND COGNITIVE IMPAIRMENT; IMMUNODEFICIENCY-VASCULITIS-MYOCLONUS SYNDROME. Identifiers: Orphanet 443811, MedGen C4014371, MONDO:0014353, OMIM 615816.

Allele frequency attached by ClinVar (database versions not stated): ExAC 0.00001; gnomAD 0.00006; TOPMed 0.00006; gnomAD exomes 0.00001.
gnomAD v4.1: 18 of 1,568,404 alleles (0.0011%); highest among the groups gnomAD compares: African/African-American, 0.012%; no homozygotes.

Submissions (2):

Labcorp Genetics (formerly Invitae), Labcorp
Classification: Uncertain significance for Immunodeficiency 23. Last evaluated: 2021-08-24. Review status: criteria provided, single submitter. Criteria: Invitae Variant Classification Sherloc (09022015). Collection method: clinical testing. Allele origin: germline.
Comment: This sequence change affects codon 178 of the PGM3 mRNA. It is a 'silent' change, meaning that it does not change the encoded amino acid sequence of the PGM3 protein. This variant is present in population databases (rs755097152, ExAC 0.01%). This variant has not been reported in the literature in individuals affected with PGM3-related conditions. Algorithms developed to predict the effect of sequence changes on RNA splicing suggest that this variant may create or strengthen a splice site. In summary, the available evidence is currently insufficient to determine the role of this variant in disease. Therefore, it has been classified as a Variant of Uncertain Significance.

Dr. Peter K. Rogan Lab, Western University
No classification provided (evidence only). Condition: Hepatocellular carcinoma. Review status: no classification provided. Collection method: in vitro. Allele origin: not applicable. Functional consequence: cryptic splice site. Not counted in ClinVar's aggregate classification.